The following is an entry in ClinVar:

ClinVar aggregate classification (germline): Likely benign (1 of 4 stars; one submission).

gnomAD v4.1: 6 of 1,596,660 alleles (0.00038%); highest among the groups gnomAD compares: Middle Eastern, 0.017%; no homozygotes.

Submission:

CeGaT Center for Human Genetics Tuebingen
Classification: Likely benign. Last evaluated: 2023-09-01. Review status: criteria provided, single submitter. Criteria: CeGaT Center For Human Genetics Tuebingen Variant Classification Criteria Version 2. Collection method: clinical testing. Allele origin: germline. Affected: yes. Observed: 1 variant allele.
Comment: CUX2: BP4, BP7

NM_015267.4(CUX2):c.2646G>A (p.Pro882=)

Gene: CUX2 (cut like homeobox 2; plus strand). Cytogenetic location: 12q24.12.
Variant type: single nucleotide variant.
Coding change: c.2646G>A on transcript NM_015267.4 (MANE Select); coding-DNA position 2646, G replaced by A.
Protein change: p.Pro882=; no amino-acid change (proline 882 retained).
Molecular consequence: synonymous variant.
Genome position (GRCh38, 1-based): chr12:111,320,655, G>A. VCF-style: chr12-111320655-G-A. GRCh37 (hg19) VCF-style: chr12-111758459-G-A.
Other names: c.2460G>A, p.Pro820= (NM_001370598.1).
Identifiers: ClinVar variation 2643304 (VCV002643304.24), dbSNP rs1223804490, ClinGen allele CA481869671.